The following is an entry in ClinVar:

NM_001429.4(EP300):c.6521C>T (p.Thr2174Ile)

Gene: EP300 (E1A binding protein p300; plus strand). Cytogenetic location: 22q13.2.
Variant type: single nucleotide variant.
Coding change: c.6521C>T on transcript NM_001429.4 (MANE Select); coding-DNA position 6521, C replaced by T.
Protein change: p.Thr2174Ile; replaces threonine 2174 with isoleucine.
Molecular consequence: missense variant.
Genome position (GRCh38, 1-based): chr22:41,178,232, C>T. VCF-style: chr22-41178232-C-T. GRCh37 (hg19) VCF-style: chr22-41574236-C-T.
Other names: c.6443C>T, p.Thr2148Ile (NM_001362843.2); short protein forms T2148I, T2174I.
Identifiers: ClinVar variation 3348661 (VCV003348661.1).

ClinVar aggregate classification (germline): Uncertain significance (0 of 4 stars; one submission).

Conditions:
EP300-related disorder. Also called: EP300-related condition; EP300-related disorders.

Submission:

PreventionGenetics, part of Exact Sciences
Classification: Uncertain significance for EP300-related condition. Last evaluated: 2023-12-12. Review status: no assertion criteria provided. Collection method: clinical testing. Allele origin: germline.
Comment: The EP300 c.6521C>T variant is predicted to result in the amino acid substitution p.Thr2174Ile. To our knowledge, this variant has not been reported in the literature or in a large population database, indicating this variant is rare. At this time, the clinical significance of this variant is uncertain due to the absence of conclusive functional and genetic evidence.